The following is an entry in ClinVar:

ClinVar aggregate classification (germline): Likely benign. Review status: criteria provided, single submitter (1 of 4 stars). 2 submissions from 2 submitters: Likely benign (1). 1 of the submissions does not count toward it. Last evaluated 2024-09-08.

Conditions:
MOGS-related disorder. Also called: MOGS-related condition.
MOGS-congenital disorder of glycosylation. Also called: GLUCOSIDASE I DEFICIENCY; CDG 2B; MOGS-CDG; CDG IIb. Identifiers: Orphanet 79330, MedGen C1853736, MONDO:0011629, OMIM 606056.

Allele frequency attached by ClinVar (database versions not stated): gnomAD 0.00001; TOPMed 0.00001; ExAC 0.00002; gnomAD exomes 0.00002 and 0.00004.

Submissions (2):

Labcorp Genetics (formerly Invitae), Labcorp
Classification: Likely benign for MOGS-congenital disorder of glycosylation. Last evaluated: 2024-09-08. Review status: criteria provided, single submitter. Criteria: Invitae Variant Classification Sherloc (09022015). Collection method: clinical testing. Allele origin: germline.

PreventionGenetics, part of Exact Sciences
Classification: Likely benign for MOGS-related condition. Last evaluated: 2019-11-13. Review status: no assertion criteria provided. Collection method: clinical testing. Allele origin: germline. Not counted in ClinVar's aggregate classification.
Comment: This variant is classified as likely benign based on ACMG/AMP sequence variant interpretation guidelines (Richards et al. 2015 PMID: 25741868, with internal and published modifications).

NM_006302.3(MOGS):c.1206T>C (p.Ile402=)

Gene: MOGS (mannosyl-oligosaccharide glucosidase; minus strand). Cytogenetic location: 2p13.1.
Variant type: single nucleotide variant.
Coding change: c.1206T>C on transcript NM_006302.3 (MANE Select); coding-DNA position 1206, T replaced by C.
Protein change: p.Ile402=; no amino-acid change (isoleucine 402 retained).
Molecular consequence: synonymous variant.
Genome position (GRCh38, 1-based): chr2:74,462,583, A>G on the plus strand (T>C on the coding strand, the complement: MOGS is on the minus strand). VCF-style: chr2-74462583-A-G. GRCh37 (hg19) VCF-style: chr2-74689710-A-G.
Other names: c.888T>C, p.Ile296= (NM_001146158.2); c.1206T>C (NM_006302.2).
Identifiers: ClinVar variation 1147530 (VCV001147530.11), dbSNP rs762176743, ClinGen allele CA1724827.